The following is an entry in ClinVar:

NM_007294.4(BRCA1):c.81-21T>C

Gene: BRCA1 (BRCA1 DNA repair associated; minus strand). Cytogenetic location: 17q21.31.
Variant type: single nucleotide variant.
Coding change: c.81-21T>C on transcript NM_007294.4 (MANE Select); 21 bases into the intron before coding-DNA position 81, T replaced by C.
Molecular consequence: intron variant.
Genome position (GRCh38, 1-based): chr17:43,115,800, A>G on the plus strand (T>C on the coding strand, the complement: BRCA1 is on the minus strand). VCF-style: chr17-43115800-A-G. GRCh37 (hg19) VCF-style: chr17-41267817-A-G.
Other names: c.-108-21T>C (NM_001407957.1, NM_001407953.1, NM_001407949.1 and 52 more transcripts); c.81-21T>C (NM_001408408.1, NM_001407647.1, NM_001408446.1 and 191 more transcripts); c.-224-21T>C (NM_001408492.1, NM_001407889.1, NM_001407900.1); c.-177-21T>C (NM_001408468.1, NM_001407842.1, NM_001407749.1 and 13 more transcripts); c.-181-21T>C (NM_001407695.1, NM_001408465.1); c.-61-21T>C (NM_001407846.1, NM_001408503.1, NM_001407943.1 and 47 more transcripts); c.-8+5758T>C (NM_001407726.1, NM_001407751.1); c.-219+9471T>C (NM_001407966.1); and 10 more.
Identifiers: ClinVar variation 867442 (VCV000867442.3), dbSNP rs2055269377, ClinGen allele CA916081098.

Conditions:
Breast-ovarian cancer, familial, susceptibility to, 1 (BROVCA1). Also called: BRCA1 Hereditary Breast and Ovarian Cancer; OVARIAN CANCER, SUSCEPTIBILITY TO. Identifiers: Orphanet 145, MedGen C2676676, MONDO:0011450, OMIM 604370. Disease mechanism: loss of function.

Submission:

Brotman Baty Institute, University of Washington
No classification provided (evidence only). Condition: Breast-ovarian cancer, familial 1. Review status: no classification provided. Collection method: in vitro. Allele origin: not applicable. Functional consequence: functionally_normal.
ClinVar note: "not provided" was previously submitted as the classification for the variant. However, the classification appeared to be based only on an observation of functional data so it was converted to no classification on 2025-07-30.